The following is an entry in ClinVar:

ClinVar aggregate classification (germline): Uncertain significance. Review status: criteria provided, multiple submitters, no conflicts (2 of 4 stars). 3 submissions from 3 submitters: Uncertain significance (3). Last evaluated 2026-04-10.

Conditions:
Hereditary sensory and autonomic neuropathy type 7. Also called: HSAN VII; Neuropathy, hereditary sensory and autonomic, type VII. Identifiers: Orphanet 391397, MedGen C3809882, MONDO:0014244, OMIM 615548.
Familial episodic pain syndrome with predominantly lower limb involvement. Also called: Episodic pain syndrome, familial, 3. Identifiers: Orphanet 391384, Orphanet 391392, MedGen C3809899, MONDO:0014247, OMIM 615552.
Inborn genetic diseases. Identifiers: MedGen C0950123, MeSH D030342.

Allele frequency attached by ClinVar (database versions not stated): gnomAD exomes below 0.00001 and 0.00001; TOPMed below 0.00001; ExAC 0.00003; ESP Exome Variant Server 0.00008.
gnomAD v4.1: 6 of 1,607,912 alleles (0.00037%); highest among the groups gnomAD compares: Non-Finnish European, 0.00051%; no homozygotes.

Submissions (3):

GeneDx
Classification: Uncertain significance. Last evaluated: 2026-04-10. Review status: criteria provided, single submitter. Criteria: GeneDx Variant Classification Process June 2021. Collection method: clinical testing. Allele origin: germline.
Comment: Not observed at significant frequency in large population cohorts (gnomAD); In silico analysis suggests that this missense variant does not alter protein structure/function; Has not been previously published as pathogenic or benign to our knowledge

Ambry Genetics
Classification: Uncertain significance for Inborn genetic diseases. Last evaluated: 2025-05-01. Review status: criteria provided, single submitter. Criteria: Ambry Variant Classification Scheme 2023. Collection method: clinical testing. Allele origin: germline.

Labcorp Genetics (formerly Invitae), Labcorp
Classification: Uncertain significance for Familial episodic pain syndrome with predominantly lower limb involvement; Hereditary sensory and autonomic neuropathy type 7. Last evaluated: 2023-12-30. Review status: criteria provided, single submitter. Criteria: Invitae Variant Classification Sherloc (09022015). Collection method: clinical testing. Allele origin: germline.
Comment: This sequence change replaces isoleucine, which is neutral and non-polar, with threonine, which is neutral and polar, at codon 207 of the SCN11A protein (p.Ile207Thr). This variant is present in population databases (rs369521245, gnomAD 0.002%). This variant has not been reported in the literature in individuals affected with SCN11A-related conditions. ClinVar contains an entry for this variant (Variation ID: 1493571). An algorithm developed to predict the effect of missense changes on protein structure and function (PolyPhen-2) suggests that this variant is likely to be tolerated. In summary, the available evidence is currently insufficient to determine the role of this variant in disease. Therefore, it has been classified as a Variant of Uncertain Significance.

NM_001349253.2(SCN11A):c.620T>C (p.Ile207Thr)

Gene: SCN11A (sodium voltage-gated channel alpha subunit 11; minus strand). Cytogenetic location: 3p22.2.
Variant type: single nucleotide variant.
Coding change: c.620T>C on transcript NM_001349253.2 (MANE Select); coding-DNA position 620, T replaced by C.
Protein change: p.Ile207Thr; replaces isoleucine 207 with threonine.
Molecular consequence: missense variant.
Genome position (GRCh38, 1-based): chr3:38,925,507, A>G on the plus strand (T>C on the coding strand, the complement: SCN11A is on the minus strand). VCF-style: chr3-38925507-A-G. GRCh37 (hg19) VCF-style: chr3-38966998-A-G.
Other names: c.620T>C, p.Ile207Thr (NM_014139.3); c.620T>C (NM_014139.2); short protein forms I207T.
Identifiers: ClinVar variation 1493571 (VCV001493571.10), dbSNP rs369521245, ClinGen allele CA2322559.